The following is an entry in ClinVar:

ClinVar aggregate classification (germline): Likely pathogenic (1 of 4 stars; one submission).

Conditions:
Short-rib thoracic dysplasia 14 with polydactyly (SRTD14). Identifiers: Orphanet 397715, MedGen C4225286, MONDO:0014688, OMIM 616546.
Joubert syndrome 23 (JBTS23). Identifiers: Orphanet 475, MedGen C4084822, MONDO:0014664, OMIM 616490.

Submission:

Labcorp Genetics (formerly Invitae), Labcorp
Classification: Likely pathogenic for Joubert syndrome 23; Short-rib thoracic dysplasia 14 with polydactyly. Last evaluated: 2023-10-07. Review status: criteria provided, single submitter. Criteria: Invitae Variant Classification Sherloc (09022015). Collection method: clinical testing. Allele origin: germline.
Comment: This sequence change affects a donor splice site in intron 23 of the KIAA0586 gene. It is expected to disrupt RNA splicing. Variants that disrupt the donor or acceptor splice site typically lead to a loss of protein function (PMID: 16199547), and loss-of-function variants in KIAA0586 are known to be pathogenic (PMID: 26096313, 26166481, 26386044). This variant is not present in population databases (gnomAD no frequency). This variant has not been reported in the literature in individuals affected with KIAA0586-related conditions. Algorithms developed to predict the effect of sequence changes on RNA splicing suggest that this variant may disrupt the consensus splice site. In summary, the currently available evidence indicates that the variant is pathogenic, but additional data are needed to prove that conclusively. Therefore, this variant has been classified as Likely Pathogenic.

Literature cited by the submitters: PubMed 16199547; PubMed 26096313; PubMed 26166481; PubMed 26386044.

NM_001329943.3(KIAA0586):c.3144+2T>C

Gene: KIAA0586 (KIAA0586; plus strand). Cytogenetic location: 14q23.1.
Variant type: single nucleotide variant.
Coding change: c.3144+2T>C on transcript NM_001329943.3 (MANE Select); the canonical splice donor site of the intron after coding-DNA position 3144, T replaced by C.
Molecular consequence: splice donor variant.
Genome position (GRCh38, 1-based): chr14:58,482,714, T>C. VCF-style: chr14-58482714-T-C. GRCh37 (hg19) VCF-style: chr14-58949432-T-C.
Other names: c.3303+2T>C (NM_001244189.2); c.3099+2T>C (NM_001244190.2); c.3012+2T>C (NM_001244192.2); c.2889+2T>C (NM_001244191.2, NM_001364701.2, NM_001329945.2 and 1 more transcripts); c.3144+2T>C (NM_001329944.2, NM_001329946.2, NM_001329947.2); c.2916+2T>C (NM_014749.5); c.2724+2T>C (NM_001244193.2).
Identifiers: ClinVar variation 2945150 (VCV002945150.3), dbSNP rs1424747601, ClinGen allele CA389880151.